The following is an entry in ClinVar:

ClinVar aggregate classification (germline): Pathogenic (1 of 4 stars; one submission).

Conditions:
Tuberous sclerosis 2 (TSC2). Identifiers: Orphanet 805, MedGen C1860707, MONDO:0013199, OMIM 613254.

Submission:

Labcorp Genetics (formerly Invitae), Labcorp
Classification: Pathogenic for Tuberous sclerosis 2. Last evaluated: 2023-09-18. Review status: criteria provided, single submitter. Criteria: Invitae Variant Classification Sherloc (09022015). Collection method: clinical testing. Allele origin: germline.
Comment: For these reasons, this variant has been classified as Pathogenic. This variant has not been reported in the literature in individuals affected with TSC2-related conditions. This variant is not present in population databases (gnomAD no frequency). This sequence change creates a premature translational stop signal (p.Ala233Leufs*27) in the TSC2 gene. It is expected to result in an absent or disrupted protein product. Loss-of-function variants in TSC2 are known to be pathogenic (PMID: 10205261, 17304050).

Literature cited by the submitters: PubMed 10205261; PubMed 17304050.

NM_000548.5(TSC2):c.697del (p.Ala233fs)

Gene: TSC2 (TSC complex subunit 2; plus strand). Cytogenetic location: 16p13.3.
Variant type: Deletion.
Coding change: c.697del on transcript NM_000548.5 (MANE Select); coding-DNA position 697, one base deleted (G; older notation c.697delG).
Protein change: p.Ala233fs; shifts the reading frame from alanine 233.
Molecular consequence: frameshift variant. On other transcripts: 5 prime UTR variant (10), non-coding transcript variant (5).
Genome position (GRCh38, 1-based): chr16:2,056,692, G deleted; the last of 2 consecutive G bases (chr16:2,056,691-2,056,692); deleting either gives the same sequence. VCF-style (leftmost placement, unchanged base first): chr16-2056690-CG-C. GRCh37 (hg19) VCF-style: chr16-2106691-CG-C.
Other names: c.697del, p.Ala233fs (NM_001077183.3, NM_001114382.3, NM_001363528.2 and 6 more transcripts); c.586del, p.Ala196fs (NM_001318827.2, NM_001406670.1, NM_001406678.1); c.550del, p.Ala184fs (NM_001318829.2, NM_001406675.1, NM_001406676.1 and 1 more transcripts); c.97del, p.Ala33fs (NM_001318831.2, NM_001406680.1, NM_001406682.1 and 6 more transcripts); c.730del, p.Ala244fs (NM_001318832.2); c.787del, p.Ala263fs (NM_001406667.1, NM_001406668.1); c.685del, p.Ala229fs (NM_001406671.1, NM_001406673.1); c.640del, p.Ala214fs (NM_001406677.1); and 4 more; short protein forms A184fs, A33fs, A214fs, A233fs, A79fs, A196fs, A229fs, A244fs.
Identifiers: ClinVar variation 2759499 (VCV002759499.3), dbSNP rs2548461616, ClinGen allele CA2697549553.